The following is an entry in ClinVar:

NM_032856.5(WDR73):c.888del (p.Phe296fs)

Gene: WDR73 (WD repeat domain 73; minus strand). Cytogenetic location: 15q25.2.
Variant type: Deletion.
Coding change: c.888del on transcript NM_032856.5 (MANE Select); coding-DNA position 888, one base deleted (T; older notation c.888delT).
Protein change: p.Phe296fs; shifts the reading frame from phenylalanine 296.
Molecular consequence: frameshift variant. On other transcripts: non-coding transcript variant (4).
Genome position (GRCh38, 1-based): chr15:84,643,719, A deleted on the plus strand (T on the coding strand, the reverse complement: WDR73 is on the minus strand); the first of 4 consecutive A bases (chr15:84,643,719-84,643,722); deleting any one gives the same sequence. VCF-style (leftmost placement, unchanged base first): chr15-84643718-CA-C. GRCh37 (hg19) VCF-style: chr15-85186949-CA-C.
Other names: c.888delT (NM_032856.3, NM_032856.5); short protein forms F296fs.
Identifiers: ClinVar variation 225244 (VCV000225244.19), dbSNP rs869320712, ClinGen allele CA358886.

ClinVar aggregate classification (germline): Pathogenic. Review status: criteria provided, multiple submitters, no conflicts (2 of 4 stars). 8 submissions from 8 submitters: Pathogenic (7). 1 of the submissions does not count toward it. Last evaluated 2026-06-03.

Conditions:
WDR73-related disorder. Also called: WDR73-related condition; WDR73-related disorders.
Galloway-Mowat syndrome 1 (GAMOS1). Identifiers: Orphanet 2065, Orphanet 83472, MedGen C4551772, MONDO:0033005, OMIM 251300.

Submissions (8):

Daryl Scott Lab, Baylor College of Medicine
Classification: Pathogenic for Galloway-Mowat syndrome 1. Last evaluated: 2026-06-03. Review status: criteria provided, single submitter. Criteria: ACMG Guidelines, 2015. Collection method: clinical testing. Allele origin: maternal. Affected: yes. Observed: 1 compound heterozygote.
Comment: PVS1, PM2, PS3, PS4

Revvity Omics, Revvity
Classification: Pathogenic for Galloway-Mowat syndrome 1. Last evaluated: 2025-05-09. Review status: criteria provided, single submitter. Criteria: ACMG Guidelines, 2015. Collection method: clinical testing. Allele origin: germline.

Labcorp Genetics (formerly Invitae), Labcorp
Classification: Pathogenic. Last evaluated: 2023-08-04. Review status: criteria provided, single submitter. Criteria: Invitae Variant Classification Sherloc (09022015). Collection method: clinical testing. Allele origin: germline.
Comment: Experimental studies have shown that this premature translational stop signal affects WDR73 function (PMID: 26070982). For these reasons, this variant has been classified as Pathogenic. This variant disrupts the C-terminus of the WDR73 protein. Other variant(s) that disrupt this region (p.Gln314*) have been observed in individuals with WDR73-related conditions (PMID: 26123727). This suggests that this may be a clinically significant region of the protein. Algorithms developed to predict the effect of variants on protein structure and function are not available or were not evaluated for this variant. ClinVar contains an entry for this variant (Variation ID: 225244). This premature translational stop signal has been observed in individuals with autosomal recessive Galloway-Mowat syndrome in this population (PMID: 26070982). It is commonly reported in individuals of Amish ancestry (PMID: 26070982). This variant is not present in population databases (gnomAD no frequency). This sequence change creates a premature translational stop signal (p.Phe296Leufs*26) in the WDR73 gene. While this is not anticipated to result in nonsense mediated decay, it is expected to disrupt the last 83 amino acid(s) of the WDR73 protein.

PreventionGenetics, part of Exact Sciences
Classification: Pathogenic for WDR73-related condition. Last evaluated: 2023-06-09. Review status: criteria provided, single submitter. Criteria: ACMG Guidelines, 2015. Collection method: clinical testing. Allele origin: germline.
Comment: The WDR73 c.888delT variant is predicted to result in a frameshift and premature protein termination (p.Phe296Leufs*26). This variant has been reported to be causative for Galloway-Mowat syndrome (Jinks et al. PubMed ID: 26070982; Thiffault et al. 2018. PubMed ID: 30008475). This variant has not been reported in a large population database, indicating this variant is rare. Frameshift variants in WDR73 are expected to be pathogenic. This variant is interpreted as pathogenic.

GeneDx
Classification: Pathogenic. Last evaluated: 2022-12-16. Review status: criteria provided, single submitter. Criteria: GeneDx Variant Classification Process June 2021. Collection method: clinical testing. Allele origin: germline. Affected: yes.
Comment: Frameshift variant predicted to result in protein truncation, as the last 83 amino acids are replaced with 25 different amino acids, and other loss-of-function variants have been reported downstream in the Human Gene Mutation Database (HGMD); Not observed at significant frequency in large population cohorts (gnomAD); This variant is associated with the following publications: (PMID: 28720660, 30008475, 31028937, 26070982, 24077912)

Blueprint Genetics
Classification: Pathogenic for WDR73-related disorders. Last evaluated: 2022-11-05. Review status: criteria provided, single submitter. Criteria: ACMG Guidelines, 2015. Collection method: clinical testing. Allele origin: germline. Affected: yes. Observed: 5 variant alleles.

Center for Pediatric Genomic Medicine, Children's Mercy Hospital and Clinics
Classification: Pathogenic. Last evaluated: 2016-04-18. Review status: criteria provided, single submitter. Criteria: ACMG Guidelines, 2015. Collection method: clinical testing. Allele origin: germline.

OMIM
Classification: Pathogenic for GALLOWAY-MOWAT SYNDROME 1. Last evaluated: 2017-10-27. Review status: no assertion criteria provided. Collection method: literature only. Allele origin: germline. Not counted in ClinVar's aggregate classification.

Literature cited by the submitters: PubMed 26070982 (cited by Labcorp Genetics (formerly Invitae), Labcorp and OMIM); PubMed 26123727 (cited by Labcorp Genetics (formerly Invitae), Labcorp).